The following is an entry in ClinVar:

NM_032409.3(PINK1):c.1252G>C (p.Val418Leu)

Genes: PINK1 (PTEN induced kinase 1; plus strand), PINK1-AS (PINK1 antisense RNA; minus strand). Cytogenetic location: 1p36.12.
Variant type: single nucleotide variant.
Coding change: c.1252G>C on transcript NM_032409.3 (MANE Select); coding-DNA position 1252, G replaced by C.
Protein change: p.Val418Leu; replaces valine 418 with leucine.
Molecular consequence: missense variant. On other transcripts: non-coding transcript variant (1).
Genome position (GRCh38, 1-based): chr1:20,648,995, G>C. VCF-style: chr1-20648995-G-C. GRCh37 (hg19) VCF-style: chr1-20975488-G-C.
Other names: short protein forms V418L.
Identifiers: ClinVar variation 3368942 (VCV003368942.2).

ClinVar aggregate classification (germline): Uncertain significance (1 of 4 stars; one submission).

gnomAD v4.1: 68 of 1,612,854 alleles (0.0042%); highest among the groups gnomAD compares: Non-Finnish European, 0.0054%; no homozygotes.

Submission:

GeneDx
Classification: Uncertain significance. Last evaluated: 2026-05-26. Review status: criteria provided, single submitter. Criteria: GeneDx Variant Classification Process June 2021. Collection method: clinical testing. Allele origin: germline.
Comment: Not observed at significant frequency in large population cohorts (gnomAD); In silico analysis supports a deleterious effect on splicing; In silico analysis suggests that this missense variant does not alter protein structure/function; Has not been previously published as pathogenic or benign to our knowledge